The following is an entry in ClinVar:

NM_001429.4(EP300):c.941G>A (p.Gly314Asp)

Gene: EP300 (EP300 lysine acetyltransferase; plus strand). Cytogenetic location: 22q13.2.
Variant type: single nucleotide variant.
Coding change: c.941G>A on transcript NM_001429.4 (MANE Select); coding-DNA position 941, G replaced by A.
Protein change: p.Gly314Asp; replaces glycine 314 with aspartic acid.
Molecular consequence: missense variant.
Genome position (GRCh38, 1-based): chr22:41,127,521, G>A. VCF-style: chr22-41127521-G-A. GRCh37 (hg19) VCF-style: chr22-41523525-G-A.
Other names: c.941G>A, p.Gly314Asp (NM_001362843.2); short protein forms G314D.
Identifiers: ClinVar variation 2692741 (VCV002692741.3), dbSNP rs1022243558, ClinGen allele CA324517851.
Genomic context (GRCh38, chr22:41,127,521, plus strand): 5'-ATTAAATATATTGTTATATCTCTCAGGGTCAACAGCCAGCCCCGCAGGTCCAGCAGCCAG[G>A]CCTGGTGACTCCAGTTGCCCAAGGGATGGGTTCTGGAGCACATACAGCTGATCCAGAGAA-3'
Protein context (NP_001420.2, residues 304-324): QQPAPQVQQP[Gly314Asp]LVTPVAQGMG

ClinVar aggregate classification (germline): Uncertain significance (1 of 4 stars; one submission).

Conditions:
Rubinstein-Taybi syndrome due to EP300 haploinsufficiency. Also called: RUBINSTEIN-TAYBI SYNDROME 2; EP300-Related Rubinstein-Taybi Syndrome. Identifiers: Orphanet 353284, Orphanet 783, MedGen C3150941, MONDO:0013364, OMIM 613684.

Allele frequency attached by ClinVar (database versions not stated): gnomAD 0.00001; TOPMed 0.00001.
gnomAD v4.1: 1 of 1,614,048 alleles (0.000062%); highest among the groups gnomAD compares: Non-Finnish European, 0.000085%; no homozygotes.

Submission:

Labcorp Genetics (formerly Invitae), Labcorp
Classification: Uncertain significance for Rubinstein-Taybi syndrome due to EP300 haploinsufficiency. Last evaluated: 2024-05-06. Review status: criteria provided, single submitter. Criteria: Invitae Variant Classification Sherloc (09022015). Collection method: clinical testing. Allele origin: germline.
Comment: This sequence change replaces glycine, which is neutral and non-polar, with aspartic acid, which is acidic and polar, at codon 314 of the EP300 protein (p.Gly314Asp). This variant is present in population databases (no rsID available, gnomAD 0.0009%). This variant has not been reported in the literature in individuals affected with EP300-related conditions. Advanced modeling of protein sequence and biophysical properties (such as structural, functional, and spatial information, amino acid conservation, physicochemical variation, residue mobility, and thermodynamic stability) performed at Invitae indicates that this missense variant is not expected to disrupt EP300 protein function with a negative predictive value of 80%. In summary, the available evidence is currently insufficient to determine the role of this variant in disease. Therefore, it has been classified as a Variant of Uncertain Significance.